The following is an entry in ClinVar:

ClinVar aggregate classification (germline): Conflicting classifications of pathogenicity. Review status: criteria provided, conflicting classifications (1 of 4 stars). 4 submissions from 3 submitters: Uncertain significance (2); Benign (2). Last evaluated 2025-08-25.

Conditions:
Autosomal dominant nonsyndromic hearing loss 17. Also called: Deafness, autosomal dominant 17; Autosomal dominant nonsyndromic deafness 17. Identifiers: Orphanet 90635, MedGen C1863659, MONDO:0011350, OMIM 603622.
MYH9-related disorder. Identifiers: MedGen C1854520.

Allele frequency attached by ClinVar (database versions not stated): ExAC 0.00002; gnomAD exomes 0.00002 and 0.00004; TOPMed 0.00002.
gnomAD v4.1: 57 of 1,614,178 alleles (0.0035%); highest among the groups gnomAD compares: Middle Eastern, 0.016%; no homozygotes.

Submissions (4):

Labcorp Genetics (formerly Invitae), Labcorp
Classification: Benign. Last evaluated: 2025-08-25. Review status: criteria provided, single submitter. Criteria: Invitae Variant Classification Sherloc (09022015). Collection method: clinical testing. Allele origin: germline.

Blueprint Genetics
Classification: Uncertain significance. Last evaluated: 2024-11-07. Review status: criteria provided, single submitter. Criteria: ACMG Guidelines, 2015. Collection method: clinical testing. Allele origin: germline.

Illumina Laboratory Services, Illumina
Classification: Benign for MYH9-related disorder. Last evaluated: 2018-01-12. Review status: criteria provided, single submitter. Criteria: ICSL Variant Classification Criteria 13 December 2019. Collection method: clinical testing. Allele origin: germline.
Comment: This variant was observed in the ICSL laboratory as part of a predisposition screen in an ostensibly healthy population. It had not been previously curated by ICSL or reported in the Human Gene Mutation Database (HGMD: prior to June 1st, 2018), and was therefore a candidate for classification through an automated scoring system. Utilizing variant allele frequency, disease prevalence and penetrance estimates, and inheritance mode, an automated score was calculated to assess if this variant is too frequent to cause the disease. Based on the score and internal cut-off values, a variant classified as benign is not then subjected to further curation. The score for this variant resulted in a classification of benign for this disease.

Illumina Laboratory Services, Illumina
Classification: Uncertain significance for Autosomal dominant nonsyndromic hearing loss 17. Last evaluated: 2018-01-12. Review status: criteria provided, single submitter. Criteria: ICSL Variant Classification Criteria 13 December 2019. Collection method: clinical testing. Allele origin: germline.

NM_002473.6(MYH9):c.4305C>T (p.Ser1435=)

Gene: MYH9 (myosin heavy chain 9; minus strand). Cytogenetic location: 22q12.3.
Variant type: single nucleotide variant.
Coding change: c.4305C>T on transcript NM_002473.6 (MANE Select); coding-DNA position 4305, C replaced by T.
Protein change: p.Ser1435=; no amino-acid change (serine 1435 retained).
Molecular consequence: synonymous variant.
Genome position (GRCh38, 1-based): chr22:36,292,025, G>A on the plus strand (C>T on the coding strand, the complement: MYH9 is on the minus strand). VCF-style: chr22-36292025-G-A. GRCh37 (hg19) VCF-style: chr22-36688071-G-A.
Identifiers: ClinVar variation 341505 (VCV000341505.7), dbSNP rs768359816, ClinGen allele CA10209415.